The following is an entry in ClinVar:

NM_004456.5(EZH2):c.472C>T (p.His158Tyr)

Gene: EZH2 (enhancer of zeste 2 polycomb repressive complex 2 subunit; minus strand). Cytogenetic location: 7q36.1.
Variant type: single nucleotide variant.
Coding change: c.472C>T on transcript NM_004456.5 (MANE Select); coding-DNA position 472, C replaced by T.
Protein change: p.His158Tyr; replaces histidine 158 with tyrosine.
Molecular consequence: missense variant.
Genome position (GRCh38, 1-based): chr7:148,829,740, G>A on the plus strand (C>T on the coding strand, the complement: EZH2 is on the minus strand). VCF-style: chr7-148829740-G-A. GRCh37 (hg19) VCF-style: chr7-148526832-G-A.
Other names: c.472C>T, p.His158Tyr (NM_001203247.2); c.445C>T, p.His149Tyr (NM_001203248.2, NM_001203249.2); c.355C>T, p.His119Tyr (NM_152998.3); short protein forms H119Y, H149Y, H158Y.
Identifiers: ClinVar variation 1285414 (VCV001285414.1), dbSNP rs2129476891, ClinGen allele CA369721381.
Genomic context (GRCh38, chr7:148,829,740, plus strand): 5'-TCTCAATTCTTTAGCCCCTTTTTCCAAGAGAAGAAGCATATGGCTCACCTCTATCCCCGT[G>A]TACTTTCCCATCATAATTTTTTATTAGTTCTTCAATGAAAGTACCATCCTGATCTAAAAC-3'
Protein context (NP_004447.2, residues 148-168): ELIKNYDGKV[His158Tyr]GDRECGFIND

ClinVar aggregate classification (germline): Likely pathogenic (1 of 4 stars; one submission).

Conditions:
Weaver syndrome (WVS). Also called: Weaver Smith syndrome; Overgrowth syndrome with accelerated skeletal maturation, unusual facies, and camptodactyly. Identifiers: Orphanet 3447, MedGen C0265210, MONDO:0010193, OMIM 277590.

Submission:

Institute of Human Genetics, University of Leipzig Medical Center
Classification: Likely pathogenic for Weaver syndrome. Last evaluated: 2020-10-16. Review status: criteria provided, single submitter. Criteria: ACMG Guidelines, 2015. Collection method: clinical testing. Allele origin: de novo. Affected: yes.
Comment: This variant was identified as de novo (maternity and paternity confirmed).